The following is an entry in ClinVar:

NM_002474.3(MYH11):c.5787-4733C>T

Genes: MYH11 (myosin heavy chain 11; minus strand), NDE1 (nudE neurodevelopment protein 1; plus strand). Cytogenetic location: 16p13.11.
Variant type: single nucleotide variant.
Coding change: c.5787-4733C>T on transcript NM_002474.3 (MANE Select); 4733 bases into the intron before coding-DNA position 5787, C replaced by T.
Molecular consequence: intron variant.
Genome position (GRCh38, 1-based): chr16:15,708,856, G>A on the plus strand (C>T on the coding strand, the complement: MYH11 is on the minus strand). VCF-style: chr16-15708856-G-A. GRCh37 (hg19) VCF-style: chr16-15802713-G-A.
Other names: c.947+11996G>A (NM_001143979.2, NM_017668.3); c.5787-15C>T (NM_022844.3); c.5808-4733C>T (NM_001040114.2); c.5808-15C>T (NM_001040113.2).
Identifiers: ClinVar variation 920969 (VCV000920969.11), dbSNP rs772569815, ClinGen allele CA7921115.

ClinVar aggregate classification (germline): Likely benign. Review status: criteria provided, multiple submitters, no conflicts (2 of 4 stars). 4 submissions from 4 submitters: Likely benign (4). Last evaluated 2025-12-03.

Conditions:
Familial thoracic aortic aneurysm and aortic dissection (TAAD). Also called: Thoracic aortic aneurysms and dissections. Identifiers: Orphanet 91387, MedGen C4707243, MONDO:0019625.
Aortic aneurysm, familial thoracic 4 (AAT4). Also called: AORTIC ANEURYSM/AORTIC DISSECTION AND PATENT DUCTUS ARTERIOSUS. Identifiers: MedGen C1851504, MONDO:0007568, OMIM 132900.

Allele frequency attached by ClinVar (database versions not stated): gnomAD 0.00001; gnomAD exomes 0.00001 and 0.00002; ExAC 0.00002.
gnomAD v4.1: 33 of 1,608,476 alleles (0.0021%); highest among the groups gnomAD compares: Non-Finnish European, 0.0027%; no homozygotes.

Submissions (4):

Labcorp Genetics (formerly Invitae), Labcorp
Classification: Likely benign for Aortic aneurysm, familial thoracic 4. Last evaluated: 2025-12-03. Review status: criteria provided, single submitter. Criteria: Invitae Variant Classification Sherloc (09022015). Collection method: clinical testing. Allele origin: germline.

All of Us Research Program, National Institutes of Health
Classification: Likely benign for Familial thoracic aortic aneurysm and aortic dissection. Last evaluated: 2023-10-23. Review status: criteria provided, single submitter. Criteria: ACMG Guidelines, 2015. Collection method: clinical testing. Allele origin: germline. Inheritance: Autosomal dominant inheritance. Observed: 1 variant allele, 1 heterozygote.
Comment: This study involves interpretation of variants in research participants for the purpose of population health screening. Participant phenotype was not available at the time of variant classification. Additional details can be found in publication PMID: 35346344, PMCID: PMC8962531

Blueprint Genetics
Classification: Likely benign. Last evaluated: 2021-08-24. Review status: criteria provided, single submitter. Criteria: ACMG Guidelines, 2015. Collection method: clinical testing. Allele origin: germline.

Color Diagnostics, LLC DBA Color Health
Classification: Likely benign for Familial thoracic aortic aneurysm and aortic dissection. Last evaluated: 2019-02-09. Review status: criteria provided, single submitter. Criteria: ACMG Guidelines, 2015. Collection method: clinical testing. Allele origin: germline.